The following is an entry in ClinVar:

ClinVar aggregate classification (germline): Uncertain significance (1 of 4 stars; one submission).

Conditions:
Paget disease of bone 2, early-onset (PDB2). Also called: Paget disease of bone 2. Identifiers: MedGen C4085251, MONDO:0011183, OMIM 602080.
Frontotemporal dementia and/or amyotrophic lateral sclerosis 1 (FTDALS1). Also called: C9orf72 Frontotemporal Dementia and/or Amyotrophic Lateral Sclerosis; Frontotemporal dementia with motor neuron disease 1. Identifiers: Orphanet 275872, MedGen C5779877, MONDO:0007105, OMIM 105550.

Allele frequency attached by ClinVar (database versions not stated): gnomAD exomes below 0.00001.
gnomAD v4.1: 1 of 1,614,182 alleles (0.000062%); highest among the groups gnomAD compares: Non-Finnish European, 0.000085%; no homozygotes.

Submission:

Labcorp Genetics (formerly Invitae), Labcorp
Classification: Uncertain significance for Paget disease of bone 2, early-onset; Frontotemporal dementia and/or amyotrophic lateral sclerosis 1. Last evaluated: 2022-05-01. Review status: criteria provided, single submitter. Criteria: Invitae Variant Classification Sherloc (09022015). Collection method: clinical testing. Allele origin: germline.
Comment: In summary, the available evidence is currently insufficient to determine the role of this variant in disease. Therefore, it has been classified as a Variant of Uncertain Significance. Algorithms developed to predict the effect of missense changes on protein structure and function are either unavailable or do not agree on the potential impact of this missense change (SIFT: "Tolerated"; PolyPhen-2: "Possibly Damaging"; Align-GVGD: "Class C0"). This variant has not been reported in the literature in individuals affected with SQSTM1-related conditions. This variant is not present in population databases (gnomAD no frequency). This sequence change replaces glutamine, which is neutral and polar, with lysine, which is basic and polar, at codon 354 of the SQSTM1 protein (p.Gln354Lys).

NM_003900.5(SQSTM1):c.1060C>A (p.Gln354Lys)

Gene: SQSTM1 (sequestosome 1; plus strand). Cytogenetic location: 5q35.3.
Variant type: single nucleotide variant.
Coding change: c.1060C>A on transcript NM_003900.5 (MANE Select); coding-DNA position 1060, C replaced by A.
Protein change: p.Gln354Lys; replaces glutamine 354 with lysine.
Molecular consequence: missense variant.
Genome position (GRCh38, 1-based): chr5:179,833,677, C>A. VCF-style: chr5-179833677-C-A. GRCh37 (hg19) VCF-style: chr5-179260677-C-A.
Other names: c.808C>A, p.Gln270Lys (NM_001142298.2, NM_001142299.2); short protein forms Q270K, Q354K.
Identifiers: ClinVar variation 2132436 (VCV002132436.4), dbSNP rs2480247897, ClinGen allele CA362452672.